The following is an entry in ClinVar:

NM_007194.4(CHEK2):c.593-2152del

Gene: CHEK2 (checkpoint kinase 2; minus strand). Cytogenetic location: 22q12.1.
Variant type: Deletion.
Coding change: c.593-2152del on transcript NM_007194.4 (MANE Select); 2152 bases into the intron before coding-DNA position 593, one base deleted (T; older notation c.593-2152delT).
Molecular consequence: intron variant.
Genome position (GRCh38, 1-based): chr22:28,721,637, A deleted on the plus strand (T on the coding strand, the reverse complement: CHEK2 is on the minus strand); the first of 11 consecutive A bases (chr22:28,721,637-28,721,647); deleting any one gives the same sequence. VCF-style (leftmost placement, unchanged base first): chr22-28721636-TA-T. GRCh37 (hg19) VCF-style: chr22-29117624-TA-T.
Other names: c.-71-2152del (NM_001437942.1); c.482+3249del (NM_001349956.3); c.593-2152del (NM_145862.3); c.-185-6del (NM_001257387.3); c.686-2152del (NM_001438295.1, NM_001438293.1); c.722-2152del (NM_001438294.1, NM_001005735.3).
Identifiers: ClinVar variation 4851920 (VCV004851920.1).

ClinVar aggregate classification (germline): Benign (1 of 4 stars; one submission).

Submission:

Dasa
Classification: Benign. Last evaluated: 2026-03-11. Review status: criteria provided, single submitter. Criteria: DASA Assertion Criteria. Collection method: clinical testing. Allele origin: germline.
Comment: NM_001257387.2(CHEK2):c.-185-6del is interpreted as benign based on a combination of available evidence, which may include population frequency, observations in unaffected individuals, intact protein function, lack of segregation with disease, in silico models, amino acid conservation, lack of disease association in case-control studies, and/or inconsistency with the known disease mechanism or impacted region. Based on the available data, this variant is classified as benign.